The following is an entry in ClinVar:

NM_183235.3(RAB27A):c.18_19del (p.Tyr6_Asp7delinsTer)

Gene: RAB27A (RAB27A, member RAS oncogene family; minus strand). Cytogenetic location: 15q21.3.
Variant type: Deletion.
Coding change: c.18_19del on transcript NM_183235.3 (MANE Select); coding-DNA positions 18 to 19, 2 bases deleted (TG; older notation c.18_19delTG).
Protein change: p.Tyr6_Asp7delinsTer.
Molecular consequence: nonsense. On other transcripts: frameshift variant (1).
Genome position (GRCh38, 1-based): chr15:55,234,916-55,234,917, CA deleted on the plus strand (TG on the coding strand, the reverse complement: RAB27A is on the minus strand). VCF-style (leftmost placement, unchanged base first): chr15-55234915-TCA-T. GRCh37 (hg19) VCF-style: chr15-55527113-TCA-T.
Other names: c.18_19del, p.Tyr6_Asp7delinsTer (NM_004580.5, NM_183236.3); c.18_19delTG, p.Tyr6Terfs (NM_183234.3).
Identifiers: ClinVar variation 451279 (VCV000451279.7), dbSNP rs1555394745, ClinGen allele CA618059762.

ClinVar aggregate classification (germline): Pathogenic. Review status: criteria provided, multiple submitters, no conflicts (2 of 4 stars). 2 submissions from 2 submitters: Pathogenic (2). Last evaluated 2021-02-25.

Conditions:
Griscelli syndrome type 2 (GS2). Also called: PAID SYNDROME; PARTIAL ALBINISM AND IMMUNODEFICIENCY SYNDROME; GRISCELLI SYNDROME WITH HEMOPHAGOCYTIC SYNDROME. Identifiers: Orphanet 381, Orphanet 79477, MedGen C1868679, MONDO:0011872, OMIM 607624.

Allele frequency attached by ClinVar (database versions not stated): gnomAD exomes below 0.00001.

Submissions (2):

Labcorp Genetics (formerly Invitae), Labcorp
Classification: Pathogenic for Griscelli syndrome type 2. Last evaluated: 2021-02-25. Review status: criteria provided, single submitter. Criteria: Invitae Variant Classification Sherloc (09022015). Collection method: clinical testing. Allele origin: germline.
Comment: This sequence change creates a premature translational stop signal (p.Tyr6*) in the RAB27A gene. It is expected to result in an absent or disrupted protein product. Loss-of-function variants in RAB27A are known to be pathogenic (PMID: 10835631, 23160464). This variant is not present in population databases (ExAC no frequency). This variant has not been reported in the literature in individuals with RAB27A-related conditions. ClinVar contains an entry for this variant (Variation ID: 451279). For these reasons, this variant has been classified as Pathogenic.

GeneDx
Classification: Pathogenic. Last evaluated: 2017-08-07. Review status: criteria provided, single submitter. Criteria: GeneDx Variant Classification (06012015). Collection method: clinical testing. Allele origin: germline. Affected: yes.
Comment: The c.18_19delTG variant in the RAB27A gene has not been reported previously as a pathogenic variant, nor as a benign variant, to our knowledge. The c.18_19delTG variant causes a frameshift starting with codon Tyrosine 6, and changes this amino acid to a premature Stop codon, denoted p.Tyr6Ter. This variant is predicted to cause loss of normal protein function either through protein truncation or nonsense-mediated mRNA decay. The c.18_19delTG variant is not observed in large population cohorts (Lek et al., 2016; 1000 Genomes Consortium et al., 2015; Exome Variant Server). We interpret c.18_19delTG as a pathogenic variant.

Literature cited by the submitters: PubMed 10835631 (cited by Labcorp Genetics (formerly Invitae), Labcorp); PubMed 23160464 (cited by Labcorp Genetics (formerly Invitae), Labcorp).